The following is an entry in ClinVar:

NM_001174147.2(LMX1B):c.445C>T (p.Gln149Ter)

Gene: LMX1B (LIM homeobox transcription factor 1 beta; plus strand). Cytogenetic location: 9q33.3.
Variant type: single nucleotide variant.
Coding change: c.445C>T on transcript NM_001174147.2 (MANE Select); coding-DNA position 445, C replaced by T.
Protein change: p.Gln149Ter; replaces glutamine 149 with a stop codon.
Molecular consequence: nonsense.
Genome position (GRCh38, 1-based): chr9:126,690,954, C>T. VCF-style: chr9-126690954-C-T. GRCh37 (hg19) VCF-style: chr9-129453233-C-T.
Other names: c.445C>T, p.Gln149Ter (NM_001174146.2, NM_002316.4); c.445C>T (NM_002316.3); short protein forms Q149*.
Identifiers: ClinVar variation 1452247 (VCV001452247.11), dbSNP rs2118987040, ClinGen allele CA374912492.

ClinVar aggregate classification (germline): Pathogenic/Likely pathogenic. Review status: criteria provided, multiple submitters, no conflicts (2 of 4 stars). 4 submissions from 4 submitters: Pathogenic (3); Likely pathogenic (1). Last evaluated 2025-05-12.

Conditions:
LMX1B-related disorder. Also called: LMX1B-related condition.
Nail-patella syndrome (NPS). Also called: FONG DISEASE; TURNER-KIESER SYNDROME; ONYCHOOSTEODYSPLASIA. Identifiers: Orphanet 2614, MedGen C0027341, MONDO:0008061, OMIM 161200.

Submissions (4):

Clinical Biomedical Laboratory, Shriners Hospital For Children - Canada
Classification: Pathogenic for Nail-patella syndrome. Last evaluated: 2025-05-12. Review status: criteria provided, single submitter. Criteria: ACMG Guidelines, 2015. Collection method: clinical testing. Allele origin: germline. Affected: yes.
Comment: This variant is predicted to introduce a premature stop codon and lead to loss of function of the affected allele. This variant is absent from the Genome Aggregation Database (v2.1.1). This variant has been reported in the literature (PMID 9590287). Heterozygous loss of function mutations in LMX1B are an established cause of nail-patella syndrome,

PreventionGenetics, part of Exact Sciences
Classification: Pathogenic for LMX1B-related condition. Last evaluated: 2025-02-15. Review status: criteria provided, single submitter. Criteria: ACMG Guidelines, 2015. Collection method: clinical testing. Allele origin: germline.
Comment: The LMX1B c.445C>T variant is predicted to result in premature protein termination (p.Gln149*). This variant has not been reported in the literature or in a large population database (gnomAD), indicating it is rare. This variant has not been reported in a large population database (gnomAD), indicating this variant is rare. Nonsense variants in LMX1B are expected to be pathogenic. This variant is interpreted as pathogenic.

Blueprint Genetics
Classification: Likely pathogenic for LMX1B-related disorders. Last evaluated: 2024-01-17. Review status: criteria provided, single submitter. Criteria: ACMG Guidelines, 2015. Collection method: clinical testing. Allele origin: germline. Affected: yes. Observed: 1 variant allele.

Labcorp Genetics (formerly Invitae), Labcorp
Classification: Pathogenic. Last evaluated: 2022-10-28. Review status: criteria provided, single submitter. Criteria: Invitae Variant Classification Sherloc (09022015). Collection method: clinical testing. Allele origin: germline.
Comment: For these reasons, this variant has been classified as Pathogenic. ClinVar contains an entry for this variant (Variation ID: 1452247). This premature translational stop signal has been observed in individual(s) with nail-patella syndrome (Invitae). This variant is not present in population databases (gnomAD no frequency). This sequence change creates a premature translational stop signal (p.Gln149*) in the LMX1B gene. It is expected to result in an absent or disrupted protein product. Loss-of-function variants in LMX1B are known to be pathogenic (PMID: 9590287, 15498463).

Literature cited by the submitters: PubMed 9590287 (cited by Clinical Biomedical Laboratory, Shriners Hospital For Children - Canada and Labcorp Genetics (formerly Invitae), Labcorp); PubMed 15498463 (cited by Labcorp Genetics (formerly Invitae), Labcorp).